The following is an entry in ClinVar:

ClinVar aggregate classification (germline): Pathogenic. Review status: reviewed by expert panel (3 of 4 stars). 2 submissions from 2 submitters: Pathogenic (1). 1 of the submissions does not count toward it. Last evaluated 2017-12-15.

Conditions:
Familial cancer of breast. Also called: BREAST CANCER, FAMILIAL; Hereditary breast cancer; hereditary breast carcinoma. Identifiers: Orphanet 227535, MedGen C0346153, MONDO:0016419, OMIM 114480. Disease mechanism: loss of function.
Breast-ovarian cancer, familial, susceptibility to, 2 (BROVCA2). Also called: BRCA2 Hereditary Breast and Ovarian Cancer. Identifiers: Orphanet 145, MedGen C2675520, MONDO:0012933, OMIM 612555. Disease mechanism: loss of function.

Submissions (2):

Evidence-based Network for the Interpretation of Germline Mutant Alleles (ENIGMA)
Classification: Pathogenic for Breast-ovarian cancer, familial, susceptibility to, 2. Last evaluated: 2017-12-15. Review status: reviewed by expert panel. Criteria: ENIGMA BRCA1/2 Classification Criteria (2017-06-29). Collection method: curation. Allele origin: germline. Study: ENIGMA.
Comment: Variant allele predicted to encode a truncated non-functional protein.

ClinVar Staff, National Center for Biotechnology Information (NCBI)
No classification provided. Condition: Familial cancer of breast. Review status: no classification provided. Collection method: literature only. Allele origin: germline. Affected: yes. Not counted in ClinVar's aggregate classification.

Literature cited by the submitters: PubMed 20383589 (cited by ClinVar Staff, National Center for Biotechnology Information (NCBI)).

NM_000059.4(BRCA2):c.6447_6448del (p.Lys2150fs)

Gene: BRCA2 (BRCA2 DNA repair associated; plus strand). Cytogenetic location: 13q13.1.
Variant type: Deletion.
Coding change: c.6447_6448del on transcript NM_000059.4 (MANE Select); coding-DNA positions 6447 to 6448, 2 bases deleted (TA; older notation c.6447_6448delTA).
Protein change: p.Lys2150fs; shifts the reading frame from lysine 2150.
Molecular consequence: frameshift variant.
Genome position (GRCh38, 1-based): chr13:32,340,802-32,340,803, TA deleted. VCF-style (leftmost placement, unchanged base first): chr13-32340801-TTA-T. GRCh37 (hg19) VCF-style: chr13-32914938-TTA-T.
Other names: c.6447_6448delTA (NM_000059.3); short protein forms K2150fs.
Identifiers: ClinVar variation 52103 (VCV000052103.3), dbSNP rs397507857, ClinGen allele CA024060.